The following is an entry in ClinVar:

ClinVar aggregate classification (germline): Uncertain significance (1 of 4 stars; one submission).

Allele frequency attached by ClinVar (database versions not stated): TOPMed below 0.00001.
gnomAD v4.1: 2 of 1,229,006 alleles (0.00016%); highest among the groups gnomAD compares: Non-Finnish European, 0.0002%; no homozygotes.

Submission:

Labcorp Genetics (formerly Invitae), Labcorp
Classification: Uncertain significance. Last evaluated: 2024-11-19. Review status: criteria provided, single submitter. Criteria: Invitae Variant Classification Sherloc (09022015). Collection method: clinical testing. Allele origin: germline.
Comment: This sequence change replaces arginine, which is basic and polar, with glycine, which is neutral and non-polar, at codon 93 of the KMT2B protein (p.Arg93Gly). This variant is not present in population databases (gnomAD no frequency). This variant has not been reported in the literature in individuals affected with KMT2B-related conditions. ClinVar contains an entry for this variant (Variation ID: 1986042). Invitae Evidence Modeling of protein sequence and biophysical properties (such as structural, functional, and spatial information, amino acid conservation, physicochemical variation, residue mobility, and thermodynamic stability) indicates that this missense variant is not expected to disrupt KMT2B protein function with a negative predictive value of 95%. In summary, the available evidence is currently insufficient to determine the role of this variant in disease. Therefore, it has been classified as a Variant of Uncertain Significance.

NM_014727.3(KMT2B):c.277C>G (p.Arg93Gly)

Gene: KMT2B (lysine methyltransferase 2B; plus strand). Cytogenetic location: 19q13.12.
Variant type: single nucleotide variant.
Coding change: c.277C>G on transcript NM_014727.3 (MANE Select); coding-DNA position 277, C replaced by G.
Protein change: p.Arg93Gly; replaces arginine 93 with glycine.
Molecular consequence: missense variant.
Genome position (GRCh38, 1-based): chr19:35,718,295, C>G. VCF-style: chr19-35718295-C-G. GRCh37 (hg19) VCF-style: chr19-36209197-C-G.
Other names: short protein forms R93G.
Identifiers: ClinVar variation 1986042 (VCV001986042.4), dbSNP rs1969034346, ClinGen allele CA405375471.
Genomic context (GRCh38, chr19:35,718,295, plus strand): 5'-CTCCGCCGGGGCCTGCGCCGGCTCCGCCGCCTGTGGGCCGGCCCGCGGGTCCAGCGGGGC[C>G]GGGGACGGGGTCGGGGCCGGGGCTGGGGCCCGAGTCGAGGCTGCGTGCCGGAGGAGGAGA-3'
Protein context (NP_055542.1, residues 83-103): LWAGPRVQRG[Arg93Gly]GRGRGRGWGP